The following is an entry in ClinVar:

NM_005568.5(LHX1):c.169C>A (p.Arg57=)

Gene: LHX1 (LIM homeobox 1; plus strand). Cytogenetic location: 17q12.
Variant type: single nucleotide variant.
Coding change: c.169C>A on transcript NM_005568.5 (MANE Select); coding-DNA position 169, C replaced by A.
Protein change: p.Arg57=; no amino-acid change (arginine 57 retained).
Molecular consequence: synonymous variant.
Genome position (GRCh38, 1-based): chr17:36,938,366, C>A. VCF-style: chr17-36938366-C-A. GRCh37 (hg19) VCF-style: chr17-35295663-C-A.
Identifiers: ClinVar variation 3057142 (VCV003057142.2), dbSNP rs35618899, ClinGen allele CA8513600.

ClinVar aggregate classification (germline): Benign (0 of 4 stars; one submission).

Conditions:
LHX1-related disorder. Also called: LHX1-related condition.

Allele frequency attached by ClinVar (database versions not stated): gnomAD exomes 0.00115; ExAC 0.00388; gnomAD 0.01236; 1000 Genomes Project 0.01278; 1000 Genomes Project 30x 0.01296; TOPMed 0.01405; ESP Exome Variant Server 0.01469.
gnomAD v4.1: 3,635 of 1,614,018 alleles (0.23%); highest among the groups gnomAD compares: African/African-American, 4.2%; 66 homozygotes.

Submission:

PreventionGenetics, part of Exact Sciences
Classification: Benign for LHX1-related condition. Last evaluated: 2019-09-25. Review status: no assertion criteria provided. Collection method: clinical testing. Allele origin: germline.
Comment: This variant is classified as benign based on ACMG/AMP sequence variant interpretation guidelines (Richards et al. 2015 PMID: 25741868, with internal and published modifications).